The following is an entry in ClinVar:

NM_000170.3(GLDC):c.985C>A (p.Pro329Thr)

Gene: GLDC (glycine decarboxylase; minus strand). Cytogenetic location: 9p24.1.
Variant type: single nucleotide variant.
Coding change: c.985C>A on transcript NM_000170.3 (MANE Select); coding-DNA position 985, C replaced by A.
Protein change: p.Pro329Thr; replaces proline 329 with threonine.
Molecular consequence: missense variant.
Genome position (GRCh38, 1-based): chr9:6,604,661, G>T on the plus strand (C>A on the coding strand, the complement: GLDC is on the minus strand). VCF-style: chr9-6604661-G-T. GRCh37 (hg19) VCF-style: chr9-6604661-G-T.
Other names: short protein forms P329T.
Identifiers: ClinVar variation 56110 (VCV000056110.4), dbSNP rs386833593, ClinGen allele CA263454.
Genomic context (GRCh38, chr9:6,604,661, plus strand): 5'-CCATTCTTCCAGGCATCATTCTCACCAAGCTTTCTCGGACAGCAAAAAATGCTGCATGGG[G>T]TCCCCCATAGCCCAGTGGCACTCCAAATCTCTGGGAGCTGCCCAGGGCGATGTCTACCCC-3'
Protein context (NP_000161.2, residues 319-339): RFGVPLGYGG[Pro329Thr]HAAFFAVRES

ClinVar aggregate classification (germline): Uncertain significance. Review status: criteria provided, single submitter (1 of 4 stars). 2 submissions from 2 submitters: Uncertain significance (1). 1 of the submissions does not count toward it. Last evaluated 2023-04-12.

Conditions:
Inborn genetic diseases. Identifiers: MedGen C0950123, MeSH D030342.
Glycine encephalopathy. Also called: Nonketotic hyperglycinemia; Non-ketotic hyperglycinemia. Identifiers: Orphanet 407, MedGen C0751748, MONDO:0011612, HP:0008288.

gnomAD v4.1: 2 of 1,614,012 alleles (0.00012%); highest among the groups gnomAD compares: South Asian, 0.0022%; no homozygotes.

Submissions (2):

Ambry Genetics
Classification: Uncertain significance for Inborn genetic diseases. Last evaluated: 2023-04-12. Review status: criteria provided, single submitter. Criteria: Ambry Variant Classification Scheme 2023. Collection method: clinical testing. Allele origin: germline.

Juha Muilu Group; Institute for Molecular Medicine Finland (FIMM)
Classification: Likely pathogenic for Non-ketotic hyperglycinemia. Review status: no assertion criteria provided. Collection method: not provided. Allele origin: unknown. Not counted in ClinVar's aggregate classification.
Comment: FinDis database variant: This variant was not found or characterized by our laboratory, data were collected from public sources: see reference
ClinVar note: Converted during submission from probable-pathogenic to Likely pathogenic.

Literature cited by the submitters: PubMed 11592811 (cited by Ambry Genetics); PubMed 12126939 (cited by Ambry Genetics).